The following is an entry in ClinVar:

NM_023110.3(FGFR1):c.1342C>T (p.Arg448Trp)

Gene: FGFR1 (fibroblast growth factor receptor 1; minus strand). Cytogenetic location: 8p11.23.
Variant type: single nucleotide variant.
Coding change: c.1342C>T on transcript NM_023110.3 (MANE Select); coding-DNA position 1342, C replaced by T.
Protein change: p.Arg448Trp; replaces arginine 448 with tryptophan.
Molecular consequence: missense variant.
Genome position (GRCh38, 1-based): chr8:38,418,316, G>A on the plus strand (C>T on the coding strand, the complement: FGFR1 is on the minus strand). VCF-style: chr8-38418316-G-A. GRCh37 (hg19) VCF-style: chr8-38275834-G-A.
Other names: c.1336C>T, p.Arg446Trp (NM_001174063.2, NM_001174065.2, NM_001354367.2 and 1 more transcripts); c.1312C>T, p.Arg438Trp (NM_001174064.2); c.1075C>T, p.Arg359Trp (NM_001174066.2, NM_023105.3); c.1435C>T, p.Arg479Trp (NM_001174067.2); c.1063C>T, p.Arg355Trp (NM_001354368.2); c.1330C>T, p.Arg444Trp (NM_001354369.2); c.1069C>T, p.Arg357Trp (NM_001354370.2, NM_023106.3); c.1342C>T (NM_023110.2); short protein forms R448W, R355W, R444W, R357W, R479W, R359W, R438W, R446W.
Identifiers: ClinVar variation 931702 (VCV000931702.8), dbSNP rs749903780, ClinGen allele CA4718407.
Genomic context (GRCh38, chr8:38,418,316, plus strand): 5'-CTTCGGGAAGCTCATACTCAGAGACCCCTGCTAGCATGGGAGTCCCACTGGAGGAGAGCC[G>A]TGATGGCCGAACCAGAAGAACCCCAGAGTTCATGGATGCACTGGAGTCAGCAGACACCTG-3'
Protein context (NP_075598.2, residues 438-458): NSGVLLVRPS[Arg448Trp]LSSSGTPMLA

ClinVar aggregate classification (germline): Uncertain significance. Review status: criteria provided, multiple submitters, no conflicts (2 of 4 stars). 5 submissions from 5 submitters: Uncertain significance (5). Last evaluated 2024-10-24.

Conditions:
Encephalocraniocutaneous lipomatosis (ECCL). Identifiers: Orphanet 2396, MedGen C0406612, MONDO:0013074, OMIM 613001.
Hypogonadotropic hypogonadism 2 with or without anosmia (HH2). Also called: HYPOGONADOTROPIC HYPOGONADISM 2 WITHOUT ANOSMIA; HYPOGONADOTROPIC HYPOGONADISM 2 WITH OR WITHOUT ANOSMIA, SUSCEPTIBILITY TO; HYPOGONADOTROPIC HYPOGONADISM 2 WITHOUT ANOSMIA, SUSCEPTIBILITY TO; FGFR1-Related GnRH Deficiency (Kallmann Syndrome 2). Identifiers: Orphanet 478, MedGen C1563720, MONDO:0007844, OMIM 147950. Disease mechanism: loss of function.
FGFR1-related disorder. Also called: FGFR1-related condition; FGFR1-related disorders. Identifiers: MedGen CN380097.
Osteoglophonic dysplasia (OGD). Also called: Osteoglophonic dwarfism. Identifiers: Orphanet 2645, MedGen C0432283, MONDO:0008150, OMIM 166250.
Hartsfield-Bixler-Demyer syndrome (HRTFDS). Also called: Holoprosencephaly, ectrodactyly, and bilateral cleft lip/palate; Hartsfield syndrome; FGFR1-Related Hartsfield Syndrome. Identifiers: Orphanet 2117, MedGen C1845146, MONDO:0014196, OMIM 615465. Disease mechanism: loss of function.
Trigonocephaly 1 (TRIGNO1). Identifiers: Orphanet 3366, MedGen C0432122, MONDO:0008603, OMIM 190440.
Pfeiffer syndrome (ACS5). Also called: ACS V. Identifiers: Orphanet 710, MedGen C0220658, MONDO:0007043, OMIM 101600.
Jackson-Weiss syndrome (JWS). Also called: CRANIOSYNOSTOSIS, MIDFACIAL HYPOPLASIA, AND FOOT ABNORMALITIES. Identifiers: Orphanet 1540, MedGen C0795998, MONDO:0007400, OMIM 123150. Disease mechanism: loss of function.

Allele frequency attached by ClinVar (database versions not stated): ExAC 0.00001; gnomAD exomes 0.00001 and 0.00002; TOPMed 0.00001.
gnomAD v4.1: 12 of 1,614,178 alleles (0.00074%); highest among the groups gnomAD compares: South Asian, 0.0011%; no homozygotes.

Submissions (5):

PreventionGenetics, part of Exact Sciences
Classification: Uncertain significance for FGFR1-related condition. Last evaluated: 2024-10-24. Review status: criteria provided, single submitter. Criteria: ACMG Guidelines, 2015. Collection method: clinical testing. Allele origin: germline.
Comment: The FGFR1 c.1342C>T variant is predicted to result in the amino acid substitution p.Arg448Trp. This variant was reported in an individual with normosmic idiopathic hypogonadotropic hypogonadism (Table S1, Shaw et al. 2011. PubMed ID: 21209029). This variant was also documented in two unrelated individuals with combined pituitary hormone deficiencies; however, this variant was also detected in the unaffected father and sister in one family (patient II in Correa et al. 2015. PubMed ID: 25759380; Fang et al. 2016. PubMed ID: 27828722). In vitro functional studies showed that this variant results in increased cell-surface expression and reduced maximal transactivation activity (Figure 1, Correa et al. 2015. PubMed ID: 25759380). This variant is reported in 0.0035% of alleles in individuals of European (Non-Finnish) descent in gnomAD and is interpreted as uncertain significance in ClinVar. Although we suspect that this variant may be pathogenic, at this time, the clinical significance of this variant is uncertain due to the absence of conclusive functional and genetic evidence.

Reproductive Endocrine Unit, Massachusetts General Hospital
Classification: Uncertain significance for Hypogonadotropic hypogonadism 2 with or without anosmia. Last evaluated: 2023-05-04. Review status: criteria provided, single submitter. Criteria: ACMG Guidelines, 2015. Collection method: research. Allele origin: unknown. Affected: yes. Observed: 1 variant allele.

Department of Pathology and Laboratory Medicine, Sinai Health System
Classification: Uncertain significance for Pfeiffer syndrome; Jackson-Weiss syndrome; Hypogonadotropic hypogonadism 2 with or without anosmia; Osteoglophonic dysplasia; Trigonocephaly 1; Encephalocraniocutaneous lipomatosis; Hartsfield-Bixler-Demyer syndrome. Last evaluated: 2022-06-28. Review status: criteria provided, single submitter. Criteria: ACMG Guidelines, 2015. Collection method: research. Allele origin: germline.

Fulgent Genetics
Classification: Uncertain significance for Pfeiffer syndrome; Jackson-Weiss syndrome; Hypogonadotropic hypogonadism 2 with or without anosmia; Osteoglophonic dysplasia; Trigonocephaly 1; Encephalocraniocutaneous lipomatosis; Hartsfield-Bixler-Demyer syndrome. Last evaluated: 2022-01-29. Review status: criteria provided, single submitter. Criteria: ACMG Guidelines, 2015. Collection method: clinical testing. Allele origin: unknown.

Centre for Mendelian Genomics, University Medical Centre Ljubljana
Classification: Uncertain significance for Encephalocraniocutaneous lipomatosis. Last evaluated: 2019-10-24. Review status: criteria provided, single submitter. Criteria: ACMG Guidelines, 2015. Collection method: clinical testing. Allele origin: unknown. Affected: yes.
Comment: This variant was classified as: Uncertain significance. The available evidence on this variant's pathogenicity is insufficient or conflicting. The following ACMG criteria were applied in classifying this variant: PP3.